The following is an entry in ClinVar:

NM_006231.4(POLE):c.797G>C (p.Arg266Pro)

Gene: POLE (DNA polymerase epsilon, catalytic subunit; minus strand). Cytogenetic location: 12q24.33.
Variant type: single nucleotide variant.
Coding change: c.797G>C on transcript NM_006231.4 (MANE Select); coding-DNA position 797, G replaced by C.
Protein change: p.Arg266Pro; replaces arginine 266 with proline.
Molecular consequence: missense variant.
Genome position (GRCh38, 1-based): chr12:132,677,367, C>G on the plus strand (G>C on the coding strand, the complement: POLE is on the minus strand). VCF-style: chr12-132677367-C-G. GRCh37 (hg19) VCF-style: chr12-133253953-C-G.
Other names: short protein forms R266P.
Identifiers: ClinVar variation 3613410 (VCV003613410.2).

ClinVar aggregate classification (germline): Uncertain significance (1 of 4 stars; one submission).

Submission:

Labcorp Genetics (formerly Invitae), Labcorp
Classification: Uncertain significance. Last evaluated: 2025-01-19. Review status: criteria provided, single submitter. Criteria: Invitae Variant Classification Sherloc (09022015). Collection method: clinical testing. Allele origin: germline.
Comment: This sequence change replaces arginine, which is basic and polar, with proline, which is neutral and non-polar, at codon 266 of the POLE protein (p.Arg266Pro). This variant is not present in population databases (gnomAD no frequency). This variant has not been reported in the literature in individuals affected with POLE-related conditions. Invitae Evidence Modeling of protein sequence and biophysical properties (such as structural, functional, and spatial information, amino acid conservation, physicochemical variation, residue mobility, and thermodynamic stability) indicates that this missense variant is not expected to disrupt POLE protein function with a negative predictive value of 80%. In summary, the available evidence is currently insufficient to determine the role of this variant in disease. Therefore, it has been classified as a Variant of Uncertain Significance.